The following is an entry in ClinVar:

NM_001387430.1(SH2B1):c.1214A>C (p.Asp405Ala)

Gene: SH2B1 (SH2B adaptor protein 1; plus strand). Cytogenetic location: 16p11.2.
Variant type: single nucleotide variant.
Coding change: c.1214A>C on transcript NM_001387430.1 (MANE Select); coding-DNA position 1214, A replaced by C.
Protein change: p.Asp405Ala; replaces aspartic acid 405 with alanine.
Molecular consequence: missense variant.
Genome position (GRCh38, 1-based): chr16:28,869,288, A>C. VCF-style: chr16-28869288-A-C. GRCh37 (hg19) VCF-style: chr16-28880609-A-C.
Other names: c.1214A>C, p.Asp405Ala (NM_001145795.2, NM_001145796.2, NM_001145797.2 and 4 more transcripts); c.206A>C, p.Asp69Ala (NM_001308294.2); short protein forms D405A, D69A.
Identifiers: ClinVar variation 4997306 (VCV004997306.1).

ClinVar aggregate classification (germline): Uncertain significance (1 of 4 stars; one submission).

Conditions:
SH2B1-related disorder. Also called: SH2B1-related condition.

Submission:

PreventionGenetics, part of Exact Sciences
Classification: Uncertain significance for SH2B1-related condition. Last evaluated: 2025-01-30. Review status: criteria provided, single submitter. Criteria: ACMG Guidelines, 2015. Collection method: clinical testing. Allele origin: germline.
Comment: The SH2B1 c.1214A>C variant is predicted to result in the amino acid substitution p.Asp405Ala. To our knowledge, this variant has not been reported in the literature. This variant is reported in 0.00088% of alleles in individuals of European (Non-Finnish) descent in gnomAD. At this time, the clinical significance of this variant is uncertain due to the absence of conclusive functional and genetic evidence.